The following is an entry in ClinVar:

NC_000006.12:g.(?_145686102)_(145686316_?)del

Gene: EPM2A (EPM2A glucan phosphatase, laforin; minus strand). Cytogenetic location: 6q24.3.
Variant type: Deletion.
Identifiers: ClinVar variation 462911 (VCV000462911.9).

ClinVar aggregate classification (germline): Pathogenic (1 of 4 stars; one submission).

Conditions:
Progressive myoclonic epilepsy. Also called: Myoclonus epilepsy; Progressive myoclonus epilepsy; Familial progressive myoclonic epilepsy; Myoclonic Epilepsies, Progressive. Identifiers: Orphanet 308, Orphanet 98261, MedGen C0751778, MONDO:0020074.

Submission:

Labcorp Genetics (formerly Invitae), Labcorp
Classification: Pathogenic for Progressive myoclonic epilepsy. Last evaluated: 2021-04-27. Review status: criteria provided, single submitter. Criteria: Invitae Variant Classification Sherloc (09022015). Collection method: clinical testing. Allele origin: germline.
Comment: For these reasons, this variant has been classified as Pathogenic. Loss-of-function variants in EPM2A are known to be pathogenic. This particular variant has been reported in the literature in several individuals affected with progressive myoclonus epilepsy, Lafora type (Lafora disease) (PMID: 11175283, 20738377, 17509003, 9931343, 10932264). This variant is an out-of-frame deletion of the genomic region encompassing exon 2 of the EPM2A gene. This creates a premature translational stop signal and is expected to result in an absent or disrupted protein product.

Literature cited by the submitters: PubMed 11175283; PubMed 20738377; PubMed 17509003; PubMed 9931343; PubMed 10932264.